The following is an entry in ClinVar:

NM_003632.3(CNTNAP1):c.2991C>T (p.His997=)

Gene: CNTNAP1 (contactin associated protein 1; plus strand). Cytogenetic location: 17q21.2.
Variant type: single nucleotide variant.
Coding change: c.2991C>T on transcript NM_003632.3 (MANE Select); coding-DNA position 2991, C replaced by T.
Protein change: p.His997=; no amino-acid change (histidine 997 retained).
Molecular consequence: synonymous variant.
Genome position (GRCh38, 1-based): chr17:42,693,535, C>T. VCF-style: chr17-42693535-C-T. GRCh37 (hg19) VCF-style: chr17-40845553-C-T.
Identifiers: ClinVar variation 1360409 (VCV001360409.6), dbSNP rs761083082, ClinGen allele CA8582204.
Genomic context (GRCh38, chr17:42,693,535, plus strand): 5'-CTATAGCTACTACACGTGTGACTGTGACCTCACGGCTTTTGATGGGCCATACTGCAACCA[C>T]GGTAAGTGCTGCTGGTTATGGGGCAACAGGGAGCCATAGGGTGTAATGGGATGTAGGGAG-3'
Protein context (NP_003623.1, residues 987-1007): LTAFDGPYCN[His997=]DIGGFFEPGT

ClinVar aggregate classification (germline): Uncertain significance (1 of 4 stars; one submission).

Allele frequency attached by ClinVar (database versions not stated): gnomAD exomes 0.00001 and 0.00002; TOPMed 0.00001; ExAC 0.00002; gnomAD 0.00004.
gnomAD v4.1: 36 of 1,611,968 alleles (0.0022%); highest among the groups gnomAD compares: Middle Eastern, 0.016%; no homozygotes.

Submission:

Labcorp Genetics (formerly Invitae), Labcorp
Classification: Uncertain significance. Last evaluated: 2025-03-12. Review status: criteria provided, single submitter. Criteria: Invitae Variant Classification Sherloc (09022015). Collection method: clinical testing. Allele origin: germline.
Comment: This sequence change affects codon 997 of the CNTNAP1 mRNA. It is a 'silent' change, meaning that it does not change the encoded amino acid sequence of the CNTNAP1 protein. It affects a nucleotide within the consensus splice site. This variant is present in population databases (rs761083082, gnomAD 0.008%). This variant has not been reported in the literature in individuals affected with CNTNAP1-related conditions. ClinVar contains an entry for this variant (Variation ID: 1360409). Algorithms developed to predict the effect of sequence changes on RNA splicing suggest that this variant is not likely to affect RNA splicing. In summary, the available evidence is currently insufficient to determine the role of this variant in disease. Therefore, it has been classified as a Variant of Uncertain Significance.